The following is an entry in ClinVar:

NM_201596.3(CACNB2):c.652T>G (p.Ser218Ala)

Gene: CACNB2 (calcium voltage-gated channel auxiliary subunit beta 2; plus strand). Cytogenetic location: 10p12.31.
Variant type: single nucleotide variant.
Coding change: c.652T>G on transcript NM_201596.3 (MANE Select); coding-DNA position 652, T replaced by G.
Protein change: p.Ser218Ala; replaces serine 218 with alanine.
Molecular consequence: missense variant.
Genome position (GRCh38, 1-based): chr10:18,506,529, T>G. VCF-style: chr10-18506529-T-G. GRCh37 (hg19) VCF-style: chr10-18795458-T-G.
Other names: c.487T>G, p.Ser163Ala (NM_000724.4, NM_001330060.2); c.568T>G, p.Ser190Ala (NM_001167945.2, NM_201571.4, NM_201572.4); c.508T>G, p.Ser170Ala (NM_201570.3); c.490T>G, p.Ser164Ala (NM_201590.3); c.652T>G, p.Ser218Ala (NM_201593.3, NM_201597.3); short protein forms S164A, S190A, S218A, S163A, S170A.
Identifiers: ClinVar variation 847254 (VCV000847254.1), dbSNP rs774211226, ClinGen allele CA376059301.

ClinVar aggregate classification (germline): Uncertain significance (1 of 4 stars; one submission).

Conditions:
Brugada syndrome 4 (BRGDA4). Identifiers: Orphanet 130, MedGen C2678477, MONDO:0012743, OMIM 611876.

Submission:

Labcorp Genetics (formerly Invitae), Labcorp
Classification: Uncertain significance for Brugada syndrome 4. Last evaluated: 2019-03-14. Review status: criteria provided, single submitter. Criteria: Invitae Variant Classification Sherloc (09022015). Collection method: clinical testing. Allele origin: germline.
Comment: This sequence change replaces serine with alanine at codon 164 of the CACNB2 protein (p.Ser164Ala). The serine residue is highly conserved and there is a moderate physicochemical difference between serine and alanine. This variant is not present in population databases (ExAC no frequency). This variant has not been reported in the literature in individuals with CACNB2-related conditions. Algorithms developed to predict the effect of missense changes on protein structure and function (SIFT, PolyPhen-2, Align-GVGD) all suggest that this variant is likely to be disruptive, but these predictions have not been confirmed by published functional studies and their clinical significance is uncertain. In summary, the available evidence is currently insufficient to determine the role of this variant in disease. Therefore, it has been classified as a Variant of Uncertain Significance.